The following is an entry in ClinVar:

NM_139076.3(ABRAXAS1):c.91G>T (p.Gly31Cys)

Gene: ABRAXAS1 (abraxas 1, BRCA1 A complex subunit; minus strand). Cytogenetic location: 4q21.23.
Variant type: single nucleotide variant.
Coding change: c.91G>T on transcript NM_139076.3 (MANE Select); coding-DNA position 91, G replaced by T.
Protein change: p.Gly31Cys; replaces glycine 31 with cysteine.
Molecular consequence: missense variant. On other transcripts: 5 prime UTR variant (1).
Genome position (GRCh38, 1-based): chr4:83,482,241, C>A on the plus strand (G>T on the coding strand, the complement: ABRAXAS1 is on the minus strand). VCF-style: chr4-83482241-C-A. GRCh37 (hg19) VCF-style: chr4-84403394-C-A.
Other names: c.-170G>T (NM_001345962.2); short protein forms G31C.
Identifiers: ClinVar variation 3798979 (VCV003798979.1).

ClinVar aggregate classification (germline): Uncertain significance (1 of 4 stars; one submission).

Submission:

Ambry Genetics
Classification: Uncertain significance. Last evaluated: 2025-02-02. Review status: criteria provided, single submitter. Criteria: Ambry Variant Classification Scheme 2023. Collection method: clinical testing. Allele origin: germline.
Comment: The p.G31C variant (also known as c.91G>T), located in coding exon 2 of the FAM175A gene, results from a G to T substitution at nucleotide position 91. The glycine at codon 31 is replaced by cysteine, an amino acid with highly dissimilar properties. This amino acid position is conserved. In addition, this alteration is predicted to be deleterious by in silico analysis. Based on the available evidence, the clinical significance of this variant remains unclear.